The following is an entry in ClinVar:

ClinVar aggregate classification (germline): Likely pathogenic (1 of 4 stars; one submission).

gnomAD v4.1: 2 of 1,549,366 alleles (0.00013%); highest among the groups gnomAD compares: Admixed American, 0.0039%; no homozygotes.

Submission:

Labcorp Genetics (formerly Invitae), Labcorp
Classification: Likely pathogenic. Last evaluated: 2025-05-13. Review status: criteria provided, single submitter. Criteria: Invitae Variant Classification Sherloc (09022015). Collection method: clinical testing. Allele origin: germline.
Comment: This sequence change affects an acceptor splice site in intron 12 of the PEPD gene. It is expected to disrupt RNA splicing. Variants that disrupt the donor or acceptor splice site typically lead to a loss of protein function (PMID: 16199547), and loss-of-function variants in PEPD are known to be pathogenic (PMID: 8198124, 10721675, 12384772, 17142620). This variant is present in population databases (no rsID available, gnomAD 0.004%). This variant has not been reported in the literature in individuals affected with PEPD-related conditions. Algorithms developed to predict the effect of sequence changes on RNA splicing suggest that this variant may disrupt the consensus splice site. In summary, the currently available evidence indicates that the variant is pathogenic, but additional data are needed to prove that conclusively. Therefore, this variant has been classified as Likely Pathogenic.

Literature cited by the submitters: PubMed 16199547; PubMed 8198124; PubMed 10721675; PubMed 12384772; PubMed 17142620.

NM_000285.4(PEPD):c.968-1G>A

Gene: PEPD (peptidase D; minus strand). Cytogenetic location: 19q13.11.
Variant type: single nucleotide variant.
Coding change: c.968-1G>A on transcript NM_000285.4 (MANE Select); the canonical splice acceptor site of the intron before coding-DNA position 968, G replaced by A.
Molecular consequence: splice acceptor variant.
Genome position (GRCh38, 1-based): chr19:33,391,480, C>T on the plus strand (G>A on the coding strand, the complement: PEPD is on the minus strand). VCF-style: chr19-33391480-C-T. GRCh37 (hg19) VCF-style: chr19-33882386-C-T.
Other names: c.776-1G>A (NM_001166057.2); c.845-1G>A (NM_001166056.2).
Identifiers: ClinVar variation 4722528 (VCV004722528.1).
Genomic context (GRCh38, chr19:33,391,480, plus strand): 5'-GGGCCAGCTCCTCCAGGTGGATGCGGTCAGCCAGGCGGTGCATGTCAGGCCACCAGACAC[C>T]TGTGGGCCAGAGGGAGCTGCCGTGAGCCACAGAGCCCAGCAGCCAACACCGCAGGGCCAG-3'